The following is an entry in ClinVar:

ClinVar aggregate classification (germline): Benign (1 of 4 stars; one submission).

Allele frequency attached by ClinVar (database versions not stated): gnomAD 0.03858 and 0.03860; TOPMed 0.03944; 1000 Genomes Project 0.04093; 1000 Genomes Project 30x 0.04372.
gnomAD v4.1: 5,155 of 134,900 alleles (3.8%); highest among the groups gnomAD compares: African/African-American, 11%; 240 homozygotes.

Submission:

GeneDx
Classification: Benign. Last evaluated: 2018-06-14. Review status: criteria provided, single submitter. Criteria: GeneDx Variant Classification (06012015). Collection method: clinical testing. Allele origin: germline. Affected: yes.
Comment: This variant is considered likely benign or benign based on one or more of the following criteria: it is a conservative change, it occurs at a poorly conserved position in the protein, it is predicted to be benign by multiple in silico algorithms, and/or has population frequency not consistent with disease.

NM_001376.5(DYNC1H1):c.3015+283T>C

Gene: DYNC1H1 (dynein cytoplasmic 1 heavy chain 1; plus strand). Cytogenetic location: 14q32.31.
Variant type: single nucleotide variant.
Coding change: c.3015+283T>C on transcript NM_001376.5 (MANE Select); 283 bases into the intron after coding-DNA position 3015, T replaced by C.
Molecular consequence: intron variant.
Genome position (GRCh38, 1-based): chr14:101,991,956, T>C. VCF-style: chr14-101991956-T-C. GRCh37 (hg19) VCF-style: chr14-102458293-T-C.
Identifiers: ClinVar variation 672604 (VCV000672604.1), dbSNP rs2720206, ClinGen allele CA16499213.
Genomic context (GRCh38, chr14:101,991,956, plus strand): 5'-CCATGAGCATCTTTGGGAATCTCAATTCCTGCTTCTCCCTCTCCTCCCCACCCCCCACTT[T>C]TTATTAGGGGAATTTTAAAACATACACAAAAGTTGAGGGAATCAAGAGCCCCCCACCACA-3'